The following is an entry in ClinVar:

ClinVar aggregate classification (germline): Uncertain significance (1 of 4 stars; one submission).

Conditions:
Familial thoracic aortic aneurysm and aortic dissection (TAAD). Also called: Thoracic aortic aneurysms and dissections. Identifiers: Orphanet 91387, MedGen C4707243, MONDO:0019625.

Allele frequency attached by ClinVar (database versions not stated): gnomAD 0.00001.
gnomAD v4.1: 1 of 1,219,930 alleles (0.000082%); highest among the groups gnomAD compares: Admixed American, 0.0022%; no homozygotes.

Submission:

Color Diagnostics, LLC DBA Color Health
Classification: Uncertain significance for Familial thoracic aortic aneurysm and aortic dissection. Last evaluated: 2021-07-27. Review status: criteria provided, single submitter. Criteria: ACMG Guidelines, 2015. Collection method: clinical testing. Allele origin: germline.
Comment: This variant causes a C to T nucleotide substitution at the +4 position of intron 11 of the MYH11 gene. To our knowledge, functional studies have not been reported for this variant. This variant has not been reported in individuals affected with cardiovascular disorders in the literature. This variant has not been identified in the general population by the Genome Aggregation Database (gnomAD). The available evidence is insufficient to determine the role of this variant in disease conclusively. Therefore, this variant is classified as a Variant of Uncertain Significance.

NM_002474.3(MYH11):c.1129+4C>T

Gene: MYH11 (myosin heavy chain 11; minus strand). Cytogenetic location: 16p13.11.
Variant type: single nucleotide variant.
Coding change: c.1129+4C>T on transcript NM_002474.3 (MANE Select); 4 bases into the intron after coding-DNA position 1129, C replaced by T.
Molecular consequence: intron variant.
Genome position (GRCh38, 1-based): chr16:15,763,792, G>A on the plus strand (C>T on the coding strand, the complement: MYH11 is on the minus strand). VCF-style: chr16-15763792-G-A. GRCh37 (hg19) VCF-style: chr16-15857649-G-A.
Other names: c.1129+4C>T (NM_022844.3); c.1150+4C>T (NM_001040114.2, NM_001040113.2).
Identifiers: ClinVar variation 1332374 (VCV001332374.2), dbSNP rs748467983, ClinGen allele CA278591851.
Genomic context (GRCh38, chr16:15,763,792, plus strand): 5'-AATGTCACCTCCCCCACCCCCCCAACCCCAAAGTCATTGGTCATCAGGAAAAAGTGGCAA[G>A]TACCTGTGTTATCTGGCATGGACGCCTGGTCTGTGTTTCTTTCCTTCTTGAAGACGATAT-3'